The following is an entry in ClinVar:

ClinVar aggregate classification (germline): Uncertain significance (1 of 4 stars; one submission).

Allele frequency attached by ClinVar (database versions not stated): TOPMed below 0.00001; gnomAD exomes 0.00004; gnomAD 0.00005; ExAC 0.00007; ESP Exome Variant Server 0.00008.
gnomAD v4.1: 69 of 1,571,286 alleles (0.0044%); highest among the groups gnomAD compares: South Asian, 0.0012%; no homozygotes.

Submission:

Labcorp Genetics (formerly Invitae), Labcorp
Classification: Uncertain significance. Last evaluated: 2022-09-27. Review status: criteria provided, single submitter. Criteria: Invitae Variant Classification Sherloc (09022015). Collection method: clinical testing. Allele origin: germline.
Comment: This variant is present in population databases (rs138927664, gnomAD 0.1%). This sequence change replaces arginine, which is basic and polar, with histidine, which is basic and polar, at codon 66 of the HELLS protein (p.Arg66His). This variant has not been reported in the literature in individuals affected with HELLS-related conditions. In summary, the available evidence is currently insufficient to determine the role of this variant in disease. Therefore, it has been classified as a Variant of Uncertain Significance. Algorithms developed to predict the effect of missense changes on protein structure and function are either unavailable or do not agree on the potential impact of this missense change (SIFT: "Deleterious"; PolyPhen-2: "Benign"; Align-GVGD: "Class C0").

NM_018063.5(HELLS):c.197G>A (p.Arg66His)

Gene: HELLS (helicase, lymphoid specific; plus strand). Cytogenetic location: 10q23.33.
Variant type: single nucleotide variant.
Coding change: c.197G>A on transcript NM_018063.5 (MANE Select); coding-DNA position 197, G replaced by A.
Protein change: p.Arg66His; replaces arginine 66 with histidine.
Molecular consequence: missense variant. On other transcripts: 5 prime UTR variant (4).
Genome position (GRCh38, 1-based): chr10:94,554,169, G>A. VCF-style: chr10-94554169-G-A. GRCh37 (hg19) VCF-style: chr10-96313926-G-A.
Other names: c.197G>A, p.Arg66His (NM_001289067.2, NM_001289069.2, NM_001289070.2 and 1 more transcripts); c.149G>A, p.Arg50His (NM_001289068.2); c.-220G>A (NM_001289071.2); c.-153G>A (NM_001289073.2); c.-806G>A (NM_001289074.2); c.-825G>A (NM_001289075.2); short protein forms R50H, R66H.
Identifiers: ClinVar variation 2173084 (VCV002173084.2), dbSNP rs138927664, ClinGen allele CA5615196.